The following is an entry in ClinVar:

ClinVar aggregate classification (germline): Uncertain significance (1 of 4 stars; one submission).

gnomAD v4.1: 2 of 1,544,508 alleles (0.00013%); highest among the groups gnomAD compares: Non-Finnish European, 0.000087%; no homozygotes.

Submission:

GeneDx
Classification: Uncertain significance. Last evaluated: 2025-07-31. Review status: criteria provided, single submitter. Criteria: GeneDx Variant Classification Process June 2021. Collection method: clinical testing. Allele origin: germline. Affected: yes.
Comment: Not observed at significant frequency in large population cohorts (gnomAD); In silico analysis suggests that this missense variant does not alter protein structure/function; Has not been previously published as pathogenic or benign to our knowledge

NM_021098.3(CACNA1H):c.6529C>T (p.Pro2177Ser)

Gene: CACNA1H (calcium voltage-gated channel subunit alpha1 H; plus strand). Cytogenetic location: 16p13.3.
Variant type: single nucleotide variant.
Coding change: c.6529C>T on transcript NM_021098.3 (MANE Select); coding-DNA position 6529, C replaced by T.
Protein change: p.Pro2177Ser; replaces proline 2177 with serine.
Molecular consequence: missense variant.
Genome position (GRCh38, 1-based): chr16:1,220,461, C>T. VCF-style: chr16-1220461-C-T. GRCh37 (hg19) VCF-style: chr16-1270461-C-T.
Other names: c.6511C>T, p.Pro2171Ser (NM_001005407.2); short protein forms P2171S, P2177S.
Identifiers: ClinVar variation 4690172 (VCV004690172.1).
Genomic context (GRCh38, chr16:1,220,461, plus strand): 5'-TCGGCGGAGCTGGGCAGCGGGGAGCCTGGGGAGGCGAAGGCCTGGGGCCCTGAGGCCGAG[C>T]CCGCTCTGGGTGCGCGCAGAAAGAAGAAGATGAGCCCCCCCTGCATCTCGGTGGAACCCC-3'
Protein context (NP_066921.2, residues 2167-2187): EAKAWGPEAE[Pro2177Ser]ALGARRKKKM